The following is an entry in ClinVar:

ClinVar aggregate classification (germline): Uncertain significance. Review status: criteria provided, multiple submitters, no conflicts (2 of 4 stars). 11 submissions from 11 submitters: Uncertain significance (10). 1 of the submissions does not count toward it. Last evaluated 2024-09-02.

Conditions:
Familial thoracic aortic aneurysm and aortic dissection (TAAD). Also called: Thoracic aortic aneurysms and dissections. Identifiers: Orphanet 91387, MedGen C4707243, MONDO:0019625.
Classic homocystinuria. Also called: HOMOCYSTINURIA WITH OR WITHOUT RESPONSE TO PYRIDOXINE; Homocystinuria due to Cystathionine Beta-Synthase Deficiency; Homocystinuria due to CBS deficiency; Cystathionine beta-synthase deficiency; CBS deficiency. Identifiers: Orphanet 394, MedGen C0751202, MONDO:0009352, OMIM 236200.
HYPERHOMOCYSTEINEMIA, THROMBOTIC, CBS-RELATED. Identifiers: MedGen C3150344, OMIM 236200.

Allele frequency attached by ClinVar (database versions not stated): gnomAD exomes 0.00003 and 0.00021; gnomAD 0.00013; 1000 Genomes Project 0.00020; ExAC 0.00026; ESP Exome Variant Server 0.00038.

Submissions (11):

Blueprint Genetics
Classification: Uncertain significance. Last evaluated: 2024-09-02. Review status: criteria provided, single submitter. Criteria: ACMG Guidelines, 2015. Collection method: clinical testing. Allele origin: germline.

Ambry Genetics
Classification: Uncertain significance for Familial thoracic aortic aneurysm and aortic dissection. Last evaluated: 2024-03-28. Review status: criteria provided, single submitter. Criteria: Ambry Variant Classification Scheme 2023. Collection method: clinical testing. Allele origin: germline.
Comment: The p.R224C variant (also known as c.670C>T), located in coding exon 6 of the CBS gene, results from a C to T substitution at nucleotide position 670. The arginine at codon 224 is replaced by cysteine, an amino acid with highly dissimilar properties. This amino acid position is highly conserved in available vertebrate species. In addition, this alteration is predicted to be deleterious by in silico analysis. Based on the available evidence, the clinical significance of this alteration remains unclear.

Women's Health and Genetics/Laboratory Corporation of America, LabCorp
Classification: Uncertain significance. Last evaluated: 2023-08-15. Review status: criteria provided, single submitter. Criteria: LabCorp Variant Classification Summary - May 2015. Collection method: clinical testing. Allele origin: germline.
Comment: Variant summary: CBS c.670C>T (p.Arg224Cys) results in a non-conservative amino acid change located in the Tryptophan synthase beta chain-like, PALP domain (IPR001926) of the encoded protein sequence. Four of five in-silico tools predict a damaging effect of the variant on protein function. The variant allele was found at a frequency of 0.00021 in 251364 control chromosomes (gnomAD). This frequency is not significantly higher than estimated for a pathogenic variant in CBS causing Homocystinuria (0.00021 vs 0.003), allowing no conclusion about variant significance. c.670C>T has been reported in the literature in individuals affected with Neurodevelopmental Disorders (Popp_2017). This report does not provide unequivocal conclusions about association of the variant with Homocystinuria. To our knowledge, no experimental evidence demonstrating an impact on protein function has been reported. The following publication have been ascertained in the context of this evaluation (PMID: 29158550). Eight ClinVar submitters have assessed the variant since 2014, and all submitters classified the variant as uncertain significance. Based on the evidence outlined above, the variant was classified as uncertain significance.

Department of Pathology and Laboratory Medicine, Sinai Health System
Classification: Uncertain significance for Classic homocystinuria. Last evaluated: 2023-04-27. Review status: criteria provided, single submitter. Criteria: ACMG Guidelines, 2015. Collection method: research. Allele origin: germline.

Labcorp Genetics (formerly Invitae), Labcorp
Classification: Uncertain significance for HYPERHOMOCYSTEINEMIA, THROMBOTIC, CBS-RELATED. Last evaluated: 2022-08-18. Review status: criteria provided, single submitter. Criteria: Invitae Variant Classification Sherloc (09022015). Collection method: clinical testing. Allele origin: germline.
Comment: This sequence change replaces arginine, which is basic and polar, with cysteine, which is neutral and slightly polar, at codon 224 of the CBS protein (p.Arg224Cys). This variant is present in population databases (rs139456571, gnomAD 0.03%). This variant has not been reported in the literature in individuals affected with CBS-related conditions. ClinVar contains an entry for this variant (Variation ID: 212851). Algorithms developed to predict the effect of missense changes on protein structure and function are either unavailable or do not agree on the potential impact of this missense change (SIFT: "Deleterious"; PolyPhen-2: "Benign"; Align-GVGD: "Class C0"). In summary, the available evidence is currently insufficient to determine the role of this variant in disease. Therefore, it has been classified as a Variant of Uncertain Significance.

Genome-Nilou Lab
Classification: Uncertain significance for Classic homocystinuria. Last evaluated: 2021-07-14. Review status: criteria provided, single submitter. Criteria: ACMG Guidelines, 2015. Collection method: clinical testing. Allele origin: germline. Affected: no.

CeGaT Center for Human Genetics Tuebingen
Classification: Uncertain significance. Last evaluated: 2021-06-01. Review status: criteria provided, single submitter. Criteria: CeGaT Center For Human Genetics Tuebingen Variant Classification Criteria Version 2. Collection method: clinical testing. Allele origin: germline. Affected: yes. Observed: 1 variant allele.

Mayo Clinic Laboratories, Mayo Clinic
Classification: Uncertain significance. Last evaluated: 2021-03-30. Review status: criteria provided, single submitter. Criteria: ACMG Guidelines, 2015. Collection method: clinical testing. Allele origin: germline.

GeneDx
Classification: Uncertain significance. Last evaluated: 2021-03-16. Review status: criteria provided, single submitter. Criteria: GeneDx Variant Classification Process June 2021. Collection method: clinical testing. Allele origin: germline. Affected: yes.
Comment: In silico analysis supports that this missense variant has a deleterious effect on protein structure/function; Has not been previously published as pathogenic or benign to our knowledge

Eurofins Ntd Llc (ga)
Classification: Uncertain significance. Last evaluated: 2016-08-15. Review status: criteria provided, single submitter. Criteria: EGL Classification Definitions 2015. Collection method: clinical testing. Allele origin: germline. Observed: 1 variant allele, 1 heterozygote.

Natera, Inc.
Classification: Uncertain significance for Homocystinuria due to cystathionine beta-synthase deficiency. Last evaluated: 2020-09-16. Review status: no assertion criteria provided. Collection method: clinical testing. Allele origin: germline. Not counted in ClinVar's aggregate classification.

Literature cited by the submitters: PubMed 31515488 (cited by Ambry Genetics); PubMed 32000841 (cited by Ambry Genetics); PubMed 29158550 (cited by Women's Health and Genetics/Laboratory Corporation of America, LabCorp).

NM_000071.3(CBS):c.670C>T (p.Arg224Cys)

Gene: CBS (cystathionine beta-synthase; minus strand). Cytogenetic location: 21q22.3.
Variant type: single nucleotide variant.
Coding change: c.670C>T on transcript NM_000071.3 (MANE Select); coding-DNA position 670, C replaced by T.
Protein change: p.Arg224Cys; replaces arginine 224 with cysteine.
Molecular consequence: missense variant.
Genome position (GRCh38, 1-based): chr21:43,065,269, G>A on the plus strand (C>T on the coding strand, the complement: CBS is on the minus strand). VCF-style: chr21-43065269-G-A. GRCh37 (hg19) VCF-style: chr21-44485379-G-A.
Other names: p.R224C:CGC>TGC; c.670C>T, p.Arg224Cys (NM_001178008.3, NM_001178009.3, NM_001320298.2); c.355C>T, p.Arg119Cys (NM_001321072.1); short protein forms R224C, R119C.
Identifiers: ClinVar variation 212851 (VCV000212851.57), dbSNP rs139456571, ClinGen allele CA322963.